The following is an entry in ClinVar:

NM_002485.5(NBN):c.901G>A (p.Gly301Ser)

Gene: NBN (nibrin; minus strand). Cytogenetic location: 8q21.3.
Variant type: single nucleotide variant.
Coding change: c.901G>A on transcript NM_002485.5 (MANE Select); coding-DNA position 901, G replaced by A.
Protein change: p.Gly301Ser; replaces glycine 301 with serine.
Molecular consequence: missense variant.
Genome position (GRCh38, 1-based): chr8:89,964,503, C>T on the plus strand (G>A on the coding strand, the complement: NBN is on the minus strand). VCF-style: chr8-89964503-C-T. GRCh37 (hg19) VCF-style: chr8-90976731-C-T.
Other names: c.655G>A, p.Gly219Ser (NM_001024688.3); short protein forms G219S, G301S.
Identifiers: ClinVar variation 1473934 (VCV001473934.6), dbSNP rs1280333137, ClinGen allele CA371657161.

ClinVar aggregate classification (germline): Uncertain significance (1 of 4 stars; one submission).

Conditions:
Microcephaly, normal intelligence and immunodeficiency (NBS). Also called: Nijmegen breakage syndrome; Microcephaly with normal intelligence immunodeficiency and lymphoreticular malignancies; Nonsyndromal microcephaly autosomal recessive with normal intelligence; Seemanova syndrome 2; IMMUNODEFICIENCY, MICROCEPHALY, AND CHROMOSOMAL INSTABILITY; SEEMANOVA SYNDROME II. Identifiers: Orphanet 647, MedGen C0398791, MONDO:0009623, OMIM 251260.

Submission:

Labcorp Genetics (formerly Invitae), Labcorp
Classification: Uncertain significance for Microcephaly, normal intelligence and immunodeficiency. Last evaluated: 2021-08-31. Review status: criteria provided, single submitter. Criteria: Invitae Variant Classification Sherloc (09022015). Collection method: clinical testing. Allele origin: germline.
Comment: This variant is not present in population databases (ExAC no frequency). In summary, the available evidence is currently insufficient to determine the role of this variant in disease. Therefore, it has been classified as a Variant of Uncertain Significance. Algorithms developed to predict the effect of missense changes on protein structure and function (SIFT, PolyPhen-2, Align-GVGD) all suggest that this variant is likely to be tolerated. This variant has not been reported in the literature in individuals affected with NBN-related conditions. This sequence change replaces glycine with serine at codon 301 of the NBN protein (p.Gly301Ser). The glycine residue is moderately conserved and there is a small physicochemical difference between glycine and serine.